The following is an entry in ClinVar:

NM_003690.5(PRKRA):c.397-3T>C

Gene: PRKRA (protein activator of interferon induced protein kinase EIF2AK2; minus strand). Cytogenetic location: 2q31.2.
Variant type: single nucleotide variant.
Coding change: c.397-3T>C on transcript NM_003690.5 (MANE Select); 3 bases into the intron before coding-DNA position 397, T replaced by C.
Molecular consequence: intron variant.
Genome position (GRCh38, 1-based): chr2:178,443,387, A>G on the plus strand (T>C on the coding strand, the complement: PRKRA is on the minus strand). VCF-style: chr2-178443387-A-G. GRCh37 (hg19) VCF-style: chr2-179308114-A-G.
Other names: c.58-3T>C (NM_001316362.2); c.364-3T>C (NM_001139517.1); c.322-3T>C (NM_001139518.1).
Identifiers: ClinVar variation 332628 (VCV000332628.6), dbSNP rs200249113, ClinGen allele CA1983911.

ClinVar aggregate classification (germline): Benign. Review status: criteria provided, multiple submitters, no conflicts (2 of 4 stars). 2 submissions from 2 submitters: Benign (2). Last evaluated 2018-01-12.

Conditions:
Dystonia 16 (DYT16). Also called: DYT-PRKRA. Identifiers: Orphanet 210571, MedGen C2677567, MONDO:0012789, OMIM 612067.

Allele frequency attached by ClinVar (database versions not stated): gnomAD 0.00001; ExAC 0.02086.

Submissions (2):

Illumina Laboratory Services, Illumina
Classification: Benign for Dystonia 16. Last evaluated: 2018-01-12. Review status: criteria provided, single submitter. Criteria: ICSL Variant Classification Criteria 13 December 2019. Collection method: clinical testing. Allele origin: germline.
Comment: This variant was observed in the ICSL laboratory as part of a predisposition screen in an ostensibly healthy population. It had not been previously curated by ICSL or reported in the Human Gene Mutation Database (HGMD: prior to June 1st, 2018), and was therefore a candidate for classification through an automated scoring system. Utilizing variant allele frequency, disease prevalence and penetrance estimates, and inheritance mode, an automated score was calculated to assess if this variant is too frequent to cause the disease. Based on the score and internal cut-off values, a variant classified as benign is not then subjected to further curation. The score for this variant resulted in a classification of benign for this disease.

Breakthrough Genomics
Classification: Benign. Review status: criteria provided, single submitter. Criteria: ACMG Guidelines, 2015. Collection method: not provided. Allele origin: germline. Inheritance: Autosomal recessive inheritance. Affected: yes.